The following is an entry in ClinVar:

ClinVar aggregate classification (germline): Pathogenic (1 of 4 stars; one submission).

Submission:

GeneDx
Classification: Pathogenic. Last evaluated: 2020-08-20. Review status: criteria provided, single submitter. Criteria: GeneDx Variant Classification Process June 2021. Collection method: clinical testing. Allele origin: germline. Affected: yes.
Comment: Nonsense variant predicted to result in protein truncation or nonsense mediated decay in a gene for which loss-of-function is a known mechanism of disease; Not observed in large population cohorts (Lek et al., 2016); Has not been previously published as pathogenic or benign to our knowledge

NM_000138.5(FBN1):c.6630T>A (p.Cys2210Ter)

Gene: FBN1 (fibrillin 1; minus strand). Cytogenetic location: 15q21.1.
Variant type: single nucleotide variant.
Coding change: c.6630T>A on transcript NM_000138.5 (MANE Select); coding-DNA position 6630, T replaced by A.
Protein change: p.Cys2210Ter; replaces cysteine 2210 with a stop codon.
Molecular consequence: nonsense.
Genome position (GRCh38, 1-based): chr15:48,432,975, A>T on the plus strand (T>A on the coding strand, the complement: FBN1 is on the minus strand). VCF-style: chr15-48432975-A-T. GRCh37 (hg19) VCF-style: chr15-48725172-A-T.
Other names: p.C2210X:TGT>TGA; short protein forms C2210*.
Identifiers: ClinVar variation 200077 (VCV000200077.4), dbSNP rs397515836, ClinGen allele CA016582.
Genomic context (GRCh38, chr15:48,432,975, plus strand): 5'-GCATTCATATGACCCATAAGTGTTCACACATCGGAAGGCACAGAGCAGAGGATTCTGGGC[A>T]CATTCATTTATATCTGCAGCAGAGGAGAGTAAGTAAATAAGGGATCATGGACAGCAACAA-3'